The following is an entry in ClinVar:

ClinVar aggregate classification (germline): Uncertain significance. Review status: criteria provided, multiple submitters, no conflicts (2 of 4 stars). 3 submissions from 3 submitters: Uncertain significance (3). Last evaluated 2024-11-08.

Allele frequency attached by ClinVar (database versions not stated): gnomAD exomes 0.00003; ExAC 0.00004; gnomAD 0.00006; TOPMed 0.00009; ESP Exome Variant Server 0.00023.
gnomAD v4.1: 48 of 1,594,762 alleles (0.003%); highest among the groups gnomAD compares: East Asian, 0.018%; no homozygotes.

Submissions (3):

Blueprint Genetics
Classification: Uncertain significance. Last evaluated: 2024-11-08. Review status: criteria provided, single submitter. Criteria: ACMG Guidelines, 2015. Collection method: clinical testing. Allele origin: germline.

Labcorp Genetics (formerly Invitae), Labcorp
Classification: Uncertain significance. Last evaluated: 2023-11-27. Review status: criteria provided, single submitter. Criteria: Invitae Variant Classification Sherloc (09022015). Collection method: clinical testing. Allele origin: germline.
Comment: This sequence change replaces valine, which is neutral and non-polar, with isoleucine, which is neutral and non-polar, at codon 265 of the C5 protein (p.Val265Ile). This variant is present in population databases (rs148539497, gnomAD 0.02%). This variant has not been reported in the literature in individuals affected with C5-related conditions. ClinVar contains an entry for this variant (Variation ID: 1935497). Advanced modeling of protein sequence and biophysical properties (such as structural, functional, and spatial information, amino acid conservation, physicochemical variation, residue mobility, and thermodynamic stability) performed at Invitae indicates that this missense variant is expected to disrupt C5 protein function with a positive predictive value of 80%. Algorithms developed to predict the effect of sequence changes on RNA splicing suggest that this variant may disrupt the consensus splice site. In summary, the available evidence is currently insufficient to determine the role of this variant in disease. Therefore, it has been classified as a Variant of Uncertain Significance.

Ambry Genetics
Classification: Uncertain significance. Last evaluated: 2023-08-02. Review status: criteria provided, single submitter. Criteria: Ambry Variant Classification Scheme 2023. Collection method: clinical testing. Allele origin: germline.

NM_001735.3(C5):c.793G>A (p.Val265Ile)

Gene: C5 (complement C5; minus strand). Cytogenetic location: 9q33.2.
Variant type: single nucleotide variant.
Coding change: c.793G>A on transcript NM_001735.3 (MANE Select); coding-DNA position 793, G replaced by A.
Protein change: p.Val265Ile; replaces valine 265 with isoleucine.
Molecular consequence: missense variant.
Genome position (GRCh38, 1-based): chr9:121,027,240, C>T on the plus strand (G>A on the coding strand, the complement: C5 is on the minus strand). VCF-style: chr9-121027240-C-T. GRCh37 (hg19) VCF-style: chr9-123789518-C-T.
Other names: c.811G>A, p.Val271Ile (NM_001317163.2); c.793G>A, p.Val265Ile (NM_001317164.2); short protein forms V265I, V271I.
Identifiers: ClinVar variation 1935497 (VCV001935497.8), dbSNP rs148539497, ClinGen allele CA5218272.